The following is an entry in ClinVar:

ClinVar aggregate classification (germline): Uncertain significance (1 of 4 stars; one submission).

Allele frequency attached by ClinVar (database versions not stated): TOPMed below 0.00001; ExAC 0.00001; gnomAD 0.00001; gnomAD exomes 0.00001.
gnomAD v4.1: 9 of 1,612,850 alleles (0.00056%); highest among the groups gnomAD compares: Non-Finnish European, 0.00076%; no homozygotes.

Submission:

Labcorp Genetics (formerly Invitae), Labcorp
Classification: Uncertain significance. Last evaluated: 2022-01-01. Review status: criteria provided, single submitter. Criteria: Invitae Variant Classification Sherloc (09022015). Collection method: clinical testing. Allele origin: germline.
Comment: This sequence change replaces threonine, which is neutral and polar, with alanine, which is neutral and non-polar, at codon 300 of the C5 protein (p.Thr300Ala). This variant is present in population databases (rs755925896, gnomAD 0.003%). This variant has not been reported in the literature in individuals affected with C5-related conditions. Algorithms developed to predict the effect of missense changes on protein structure and function (SIFT, PolyPhen-2, Align-GVGD) all suggest that this variant is likely to be tolerated. In summary, the available evidence is currently insufficient to determine the role of this variant in disease. Therefore, it has been classified as a Variant of Uncertain Significance.

NM_001735.3(C5):c.898A>G (p.Thr300Ala)

Gene: C5 (complement C5; minus strand). Cytogenetic location: 9q33.2.
Variant type: single nucleotide variant.
Coding change: c.898A>G on transcript NM_001735.3 (MANE Select); coding-DNA position 898, A replaced by G.
Protein change: p.Thr300Ala; replaces threonine 300 with alanine.
Molecular consequence: missense variant.
Genome position (GRCh38, 1-based): chr9:121,025,556, T>C on the plus strand (A>G on the coding strand, the complement: C5 is on the minus strand). VCF-style: chr9-121025556-T-C. GRCh37 (hg19) VCF-style: chr9-123787834-T-C.
Other names: c.916A>G, p.Thr306Ala (NM_001317163.2); c.898A>G, p.Thr300Ala (NM_001317164.2); short protein forms T306A, T300A.
Identifiers: ClinVar variation 1961430 (VCV001961430.2), dbSNP rs755925896, ClinGen allele CA5218242.